The following is an entry in ClinVar:

ClinVar aggregate classification (germline): Uncertain significance (1 of 4 stars; one submission).

Conditions:
Cardiovascular phenotype. Identifiers: MedGen CN230736.

Submission:

Ambry Genetics
Classification: Uncertain significance for Cardiovascular phenotype. Last evaluated: 2022-03-28. Review status: criteria provided, single submitter. Criteria: Ambry Variant Classification Scheme 2023. Collection method: clinical testing. Allele origin: germline.
Comment: The p.I286T variant (also known as c.857T>C), located in coding exon 7 of the GPD1L gene, results from a T to C substitution at nucleotide position 857. The isoleucine at codon 286 is replaced by threonine, an amino acid with similar properties. This amino acid position is highly conserved in available vertebrate species. In addition, the in silico prediction for this alteration is inconclusive. The evidence for this gene-disease relationship is limited; therefore, the clinical significance of this alteration is unclear.

Literature cited by the submitters: PubMed 24981977.

NM_015141.4(GPD1L):c.857T>C (p.Ile286Thr)

Gene: GPD1L (glycerol-3-phosphate dehydrogenase 1 like; plus strand). Cytogenetic location: 3p22.3.
Variant type: single nucleotide variant.
Coding change: c.857T>C on transcript NM_015141.4 (MANE Select); coding-DNA position 857, T replaced by C.
Protein change: p.Ile286Thr; replaces isoleucine 286 with threonine.
Molecular consequence: missense variant.
Genome position (GRCh38, 1-based): chr3:32,159,572, T>C. VCF-style: chr3-32159572-T-C. GRCh37 (hg19) VCF-style: chr3-32201064-T-C.
Other names: short protein forms I286T.
Identifiers: ClinVar variation 1763917 (VCV001763917.2), dbSNP rs2471421038, ClinGen allele CA351969662.